The following is an entry in ClinVar:

ClinVar aggregate classification (germline): Pathogenic. Review status: criteria provided, multiple submitters, no conflicts (2 of 4 stars). 3 submissions from 3 submitters: Pathogenic (3). Last evaluated 2025-02-20.

Conditions:
Miyoshi muscular dystrophy 1 (MMD1). Identifiers: Orphanet 45448, MedGen C4551973, MONDO:0024545, OMIM 254130.
Autosomal recessive limb-girdle muscular dystrophy type 2B (LGMDR2). Also called: Limb-girdle muscular dystrophy, type 2B; Limb-Girdle Muscular Dystrophy Type 2B (LGMD2B); MUSCULAR DYSTROPHY, LIMB-GIRDLE, TYPE 3; MUSCULAR DYSTROPHY, LIMB-GIRDLE, AUTOSOMAL RECESSIVE 2. Identifiers: Orphanet 268, MedGen C1850889, MONDO:0009676, OMIM 253601.
Distal myopathy with anterior tibial onset. Identifiers: Orphanet 178400, MedGen C1847532, MONDO:0011721, OMIM 606768.
Neuromuscular disease caused by qualitative or quantitative defects of dysferlin. Also called: Qualitative or quantitative defects of dysferlin; Dysferlinopathy. Identifiers: Orphanet 207073, MedGen C2931687, MONDO:0016145.

Submissions (3):

Natera, Inc.
Classification: Pathogenic for Limb-girdle muscular dystrophy type 2B. Last evaluated: 2025-02-20. Review status: criteria provided, single submitter. Criteria: Natera Variant Classification Schema (03/2026). Collection method: clinical testing. Allele origin: germline.
Comment: The c.1321C>T variant in DYSF is a nonsense variant predicted to introduce a stop codon at amino acid 441. This variant is expected to result in nonsense mediated decay, truncation, or a dysfunctional protein product. This variant is rare in the general population with a frequency below the threshold expected for the associated phenotype(s). This variant has been observed in one or more individuals affected with the associated recessive disease, as either homozygous or compound heterozygous with a second variant (PMID: 23243261, 21173544). Given the available evidence, this variant is classified as Pathogenic.

Fulgent Genetics
Classification: Pathogenic for Autosomal recessive limb-girdle muscular dystrophy type 2B; Miyoshi muscular dystrophy 1; Distal myopathy with anterior tibial onset. Last evaluated: 2024-05-18. Review status: criteria provided, single submitter. Criteria: ACMG Guidelines, 2015. Collection method: clinical testing. Allele origin: germline.

Labcorp Genetics (formerly Invitae), Labcorp
Classification: Pathogenic for Neuromuscular disease caused by qualitative or quantitative defects of dysferlin. Last evaluated: 2023-09-15. Review status: criteria provided, single submitter. Criteria: Invitae Variant Classification Sherloc (09022015). Collection method: clinical testing. Allele origin: germline.
Comment: For these reasons, this variant has been classified as Pathogenic. This premature translational stop signal has been observed in individual(s) with DYSF-related conditions (PMID: 23243261). This variant is not present in population databases (gnomAD no frequency). This sequence change creates a premature translational stop signal (p.Gln441*) in the DYSF gene. It is expected to result in an absent or disrupted protein product. Loss-of-function variants in DYSF are known to be pathogenic (PMID: 17698709, 20301480).

Literature cited by the submitters: PubMed 23243261 (cited by Natera, Inc. and Labcorp Genetics (formerly Invitae), Labcorp); PubMed 21173544 (cited by Natera, Inc.); PubMed 17698709 (cited by Labcorp Genetics (formerly Invitae), Labcorp); PubMed 20301480 (cited by Labcorp Genetics (formerly Invitae), Labcorp).

NM_001130987.2(DYSF):c.1417C>T (p.Gln473Ter)

Gene: DYSF (dysferlin; plus strand). Cytogenetic location: 2p13.2.
Variant type: single nucleotide variant.
Coding change: c.1417C>T on transcript NM_001130987.2 (MANE Select); coding-DNA position 1417, C replaced by T.
Protein change: p.Gln473Ter; replaces glutamine 473 with a stop codon.
Molecular consequence: nonsense.
Genome position (GRCh38, 1-based): chr2:71,535,057, C>T. VCF-style: chr2-71535057-C-T. GRCh37 (hg19) VCF-style: chr2-71762187-C-T.
Other names: c.1321C>T, p.Gln441Ter (NM_003494.4, NM_001130976.2, NM_001130977.2 and 1 more transcripts); c.1321C>T (NM_003494.3); c.1414C>T, p.Gln472Ter (NM_001130979.2, NM_001130980.2, NM_001130981.2); c.1417C>T, p.Gln473Ter (NM_001130982.2, NM_001130985.2); c.1324C>T, p.Gln442Ter (NM_001130983.2, NM_001130984.2, NM_001130986.2 and 1 more transcripts); short protein forms Q441*, Q442*, Q472*, Q473*.
Identifiers: ClinVar variation 2734212 (VCV002734212.5), dbSNP rs2545554704, ClinGen allele CA347215655.